The following is an entry in ClinVar:

NM_002880.4(RAF1):c.1706_1712dup (p.Ser571delinsArgSerTer)

Gene: RAF1 (Raf-1 proto-oncogene, serine/threonine kinase; minus strand). Cytogenetic location: 3p25.2.
Variant type: Duplication.
Coding change: c.1706_1712dup on transcript NM_002880.4 (MANE Select); coding-DNA positions 1706 to 1712, 7 bases duplicated (ATCTTAG; older notation c.1706_1712dupATCTTAG).
Protein change: p.Ser571delinsArgSerTer.
Molecular consequence: nonsense. On other transcripts: non-coding transcript variant (3).
Genome position (GRCh38, 1-based): chr3:12,584,938-12,584,944, CTAAGAT duplicated on the plus strand (ATCTTAG on the coding strand, the reverse complement: RAF1 is on the minus strand); duplicating any 7 consecutive bases within chr3:12,584,938-12,584,946 gives the same sequence; the c. name uses the placement nearest the transcript's 3' end. VCF-style (leftmost placement, unchanged base first): chr3-12584937-A-ACTAAGAT. GRCh37 (hg19) VCF-style: chr3-12626436-A-ACTAAGAT.
Other names: c.1766_1772dup, p.Ser591delinsArgSerTer (NM_001354689.3); c.1706_1712dup, p.Ser571delinsArgSerTer (NM_001354690.3); c.1463_1469dup, p.Ser490delinsArgSerTer (NM_001354691.3, NM_001354692.3); c.1607_1613dup, p.Ser538delinsArgSerTer (NM_001354693.3); c.1523_1529dup, p.Ser510delinsArgSerTer (NM_001354694.3); c.1364_1370dup, p.Ser457delinsArgSerTer (NM_001354695.3).
Identifiers: ClinVar variation 843965 (VCV000843965.7), dbSNP rs2058277475, ClinGen allele CA916081409.
Genomic context (GRCh38, chr3:12,584,937, plus strand): 5'-TTTCTTCACACAGTCAGCTACCAGCCTCTTCATTGCTTTGGGGCAGTTCTTATATAGCTT[A>ACTAAGAT]CTAAGATCTGGGGAGGCATATCCTCGGCCCACCATGAAGATGATCTAAGGGAAAGAAAAC-3'

ClinVar aggregate classification (germline): Uncertain significance (1 of 4 stars; one submission).

Conditions:
RASopathy. Also called: rasopathies; Noonan spectrum disorder. Identifiers: Orphanet 536391, MedGen C5555857, MONDO:0021060.

Submission:

Labcorp Genetics (formerly Invitae), Labcorp
Classification: Uncertain significance for RASopathy. Last evaluated: 2019-03-13. Review status: criteria provided, single submitter. Criteria: Invitae Variant Classification Sherloc (09022015). Collection method: clinical testing. Allele origin: germline.
Comment: In summary, the available evidence is currently insufficient to determine the role of this variant in disease. Therefore, it has been classified as a Variant of Uncertain Significance. The current clinical and genetic evidence is not sufficient to establish whether loss-of-function variants in RAF1 cause disease. This variant has not been reported in the literature in individuals with RAF1-related conditions. This variant is not present in population databases (ExAC no frequency). This sequence change creates a premature translational stop signal (p.Ser571Argfs*3) in the RAF1 gene. It is expected to result in an absent or disrupted protein product.